The following is an entry in ClinVar:

NM_002528.7(NTHL1):c.525G>T (p.Arg175Ser)

Gene: NTHL1 (nth like DNA glycosylase 1; minus strand). Cytogenetic location: 16p13.3.
Variant type: single nucleotide variant.
Coding change: c.525G>T on transcript NM_002528.7 (MANE Select); coding-DNA position 525, G replaced by T.
Protein change: p.Arg175Ser; replaces arginine 175 with serine.
Molecular consequence: missense variant. On other transcripts: intron variant (1).
Genome position (GRCh38, 1-based): chr16:2,044,630, C>A on the plus strand (G>T on the coding strand, the complement: NTHL1 is on the minus strand). VCF-style: chr16-2044630-C-A. GRCh37 (hg19) VCF-style: chr16-2094631-C-A.
Other names: c.195G>T, p.Arg65Ser (NM_001318194.2); c.355-904G>T (NM_001318193.2); short protein forms R175S, R65S.
Identifiers: ClinVar variation 1921790 (VCV001921790.5), dbSNP rs746192138, ClinGen allele CA7828233.

ClinVar aggregate classification (germline): Uncertain significance (1 of 4 stars; one submission).

Allele frequency attached by ClinVar (database versions not stated): gnomAD exomes below 0.00001; ExAC 0.00001.
gnomAD v4.1: 1 of 1,603,240 alleles (0.000062%); highest among the groups gnomAD compares: Non-Finnish European, 0.000085%; no homozygotes.

Submission:

Labcorp Genetics (formerly Invitae), Labcorp
Classification: Uncertain significance. Last evaluated: 2022-04-08. Review status: criteria provided, single submitter. Criteria: Invitae Variant Classification Sherloc (09022015). Collection method: clinical testing. Allele origin: germline.
Comment: Algorithms developed to predict the effect of missense changes on protein structure and function are either unavailable or do not agree on the potential impact of this missense change (SIFT: "Not Available"; PolyPhen-2: "Possibly Damaging"; Align-GVGD: "Not Available"). This sequence change replaces arginine, which is basic and polar, with serine, which is neutral and polar, at codon 183 of the NTHL1 protein (p.Arg183Ser). This variant also falls at the last nucleotide of exon 3, which is part of the consensus splice site for this exon. This variant is present in population databases (rs746192138, gnomAD 0.0009%). This variant has not been reported in the literature in individuals affected with NTHL1-related conditions. Variants that disrupt the consensus splice site are a relatively common cause of aberrant splicing (PMID: 17576681, 9536098). Algorithms developed to predict the effect of sequence changes on RNA splicing suggest that this variant may create or strengthen a splice site. In summary, the available evidence is currently insufficient to determine the role of this variant in disease. Therefore, it has been classified as a Variant of Uncertain Significance.

Literature cited by the submitters: PubMed 17576681; PubMed 9536098.